The following is an entry in ClinVar:

NM_016553.5(NUP62):c.1436A>G (p.Asn479Ser)

Genes: IL4I1 (interleukin 4 induced 1; minus strand), NUP62 (nucleoporin 62; minus strand). Cytogenetic location: 19q13.33.
Variant type: single nucleotide variant.
Coding change: c.1436A>G on transcript NM_016553.5 (MANE Select); coding-DNA position 1436, A replaced by G.
Protein change: p.Asn479Ser; replaces asparagine 479 with serine.
Molecular consequence: missense variant. On other transcripts: intron variant (3).
Genome position (GRCh38, 1-based): chr19:49,908,372, T>C on the plus strand (A>G on the coding strand, the complement: NUP62 is on the minus strand). VCF-style: chr19-49908372-T-C. GRCh37 (hg19) VCF-style: chr19-50411629-T-C.
Other names: c.1436A>G, p.Asn479Ser (NM_001193357.2, NM_012346.5, NM_153718.4 and 1 more transcripts); c.-227-4051A>G (NM_001258017.2, NM_172374.3); c.-285-4051A>G (NM_001258018.2); short protein forms N479S.
Identifiers: ClinVar variation 1358508 (VCV001358508.7), dbSNP rs139913264, ClinGen allele CA9588888.

ClinVar aggregate classification (germline): Uncertain significance. Review status: criteria provided, multiple submitters, no conflicts (2 of 4 stars). 2 submissions from 2 submitters: Uncertain significance (2). Last evaluated 2025-09-29.

Allele frequency attached by ClinVar (database versions not stated): gnomAD exomes 0.00003; ExAC 0.00004; gnomAD 0.00006; 1000 Genomes Project 0.00020; TOPMed 0.00007; ESP Exome Variant Server 0.00008; 1000 Genomes Project 30x 0.00016.
gnomAD v4.1: 38 of 1,614,196 alleles (0.0024%); highest among the groups gnomAD compares: Middle Eastern, 0.016%; no homozygotes.

Submissions (2):

Labcorp Genetics (formerly Invitae), Labcorp
Classification: Uncertain significance. Last evaluated: 2025-09-29. Review status: criteria provided, single submitter. Criteria: Invitae Variant Classification Sherloc (09022015). Collection method: clinical testing. Allele origin: germline.
Comment: This sequence change replaces asparagine, which is neutral and polar, with serine, which is neutral and polar, at codon 479 of the NUP62 protein (p.Asn479Ser). This variant is present in population databases (rs139913264, gnomAD 0.01%). This variant has not been reported in the literature in individuals affected with NUP62-related conditions. ClinVar contains an entry for this variant (Variation ID: 1358508). An algorithm developed to predict the effect of missense changes on protein structure and function (PolyPhen-2) suggests that this variant is likely to be disruptive. In summary, the available evidence is currently insufficient to determine the role of this variant in disease. Therefore, it has been classified as a Variant of Uncertain Significance.

Ambry Genetics
Classification: Uncertain significance. Last evaluated: 2024-05-02. Review status: criteria provided, single submitter. Criteria: Ambry Variant Classification Scheme 2023. Collection method: clinical testing. Allele origin: germline.